The following is an entry in ClinVar:

ClinVar aggregate classification (germline): Benign/Likely benign. Review status: criteria provided, multiple submitters, no conflicts (2 of 4 stars). 3 submissions from 3 submitters: Benign (1); Likely benign (2). Last evaluated 2025-03-17.

Conditions:
Familial adenomatous polyposis 1 (FAP1). Also called: POLYPOSIS, ADENOMATOUS INTESTINAL; FAMILIAL ADENOMATOUS POLYPOSIS 1, ATTENUATED. Identifiers: MedGen C2713442, MONDO:0021056, OMIM 175100. Disease mechanism: loss of function.
Hereditary cancer-predisposing syndrome. Also called: Hereditary Cancer Syndrome; Hereditary neoplastic syndrome; Neoplastic Syndromes, Hereditary; Tumor predisposition. Identifiers: Orphanet 140162, MedGen C0027672, MeSH D009386, MONDO:0015356.

gnomAD v4.1: 2 of 1,611,952 alleles (0.00012%); highest among the groups gnomAD compares: South Asian, 0.0011%; no homozygotes.

Submissions (3):

Ambry Genetics
Classification: Likely benign for Hereditary cancer-predisposing syndrome. Last evaluated: 2025-03-17. Review status: criteria provided, single submitter. Criteria: Ambry Variant Classification Scheme 2023. Collection method: clinical testing. Allele origin: germline.

Myriad Genetics, Inc.
Classification: Benign for Familial adenomatous polyposis 1. Last evaluated: 2024-02-22. Review status: criteria provided, single submitter. Criteria: Myriad Autosomal Dominant, Autosomal Recessive and X-Linked Classification Criteria (2023). Collection method: clinical testing. Allele origin: unknown.
Comment: This variant is considered benign. This variant is a silent/synonymous amino acid change and it is not expected to impact splicing.

Labcorp Genetics (formerly Invitae), Labcorp
Classification: Likely benign for Familial adenomatous polyposis 1. Last evaluated: 2022-08-16. Review status: criteria provided, single submitter. Criteria: Invitae Variant Classification Sherloc (09022015). Collection method: clinical testing. Allele origin: germline.

NM_000038.6(APC):c.195G>A (p.Gln65=)

Gene: APC (APC regulator of Wnt signaling pathway; plus strand). Cytogenetic location: 5q22.2.
Variant type: single nucleotide variant.
Coding change: c.195G>A on transcript NM_000038.6 (MANE Select); coding-DNA position 195, G replaced by A.
Protein change: p.Gln65=; no amino-acid change (glutamine 65 retained).
Molecular consequence: synonymous variant. On other transcripts: 5 prime UTR variant (1).
Genome position (GRCh38, 1-based): chr5:112,766,385, G>A. VCF-style: chr5-112766385-G-A. GRCh37 (hg19) VCF-style: chr5-112102082-G-A.
Other names: c.195G>A, p.Gln65= (NM_001127510.3, NM_001354895.2, NM_001354896.2 and 2 more transcripts); c.225G>A, p.Gln75= (NM_001127511.3, NM_001354897.2, NM_001354902.2); c.120G>A, p.Gln40= (NM_001354898.2, NM_001354904.2); c.18G>A, p.Gln6= (NM_001354900.2, NM_001354901.2, NM_001354905.2); c.-841G>A (NM_001354906.2); c.195G>A (NM_000038.5).
Identifiers: ClinVar variation 1162173 (VCV001162173.12), dbSNP rs1554069548, ClinGen allele CA445753033.